The following is an entry in ClinVar:

ClinVar aggregate classification (germline): Likely benign (0 of 4 stars; one submission).

Conditions:
SLC10A1-related disorder. Also called: SLC10A1-related condition.

Allele frequency attached by ClinVar (database versions not stated): gnomAD 0.00001; ExAC 0.00002; gnomAD exomes 0.00002; TOPMed 0.00002.

Submission:

PreventionGenetics, part of Exact Sciences
Classification: Likely benign for SLC10A1-related condition. Last evaluated: 2019-08-28. Review status: no assertion criteria provided. Collection method: clinical testing. Allele origin: germline.
Comment: This variant is classified as likely benign based on ACMG/AMP sequence variant interpretation guidelines (Richards et al. 2015 PMID: 25741868, with internal and published modifications).

NM_003049.4(SLC10A1):c.18G>A (p.Ala6=)

Gene: SLC10A1 (solute carrier family 10 member 1; minus strand). Cytogenetic location: 14q24.1.
Variant type: single nucleotide variant.
Coding change: c.18G>A on transcript NM_003049.4 (MANE Select); coding-DNA position 18, G replaced by A.
Protein change: p.Ala6=; no amino-acid change (alanine 6 retained).
Molecular consequence: synonymous variant.
Genome position (GRCh38, 1-based): chr14:69,797,138, C>T on the plus strand (G>A on the coding strand, the complement: SLC10A1 is on the minus strand). VCF-style: chr14-69797138-C-T. GRCh37 (hg19) VCF-style: chr14-70263855-C-T.
Identifiers: ClinVar variation 3042871 (VCV003042871.2), dbSNP rs200228184, ClinGen allele CA7246304.